The following is an entry in ClinVar:

ClinVar aggregate classification (germline): Uncertain significance. Review status: criteria provided, multiple submitters, no conflicts (2 of 4 stars). 2 submissions from 2 submitters: Uncertain significance (2). Last evaluated 2025-09-07.

Allele frequency attached by ClinVar (database versions not stated): gnomAD exomes below 0.00001 and 0.00001; ExAC 0.00001.

Submissions (2):

Ambry Genetics
Classification: Uncertain significance. Last evaluated: 2025-09-07. Review status: criteria provided, single submitter. Criteria: Ambry Variant Classification Scheme 2023. Collection method: clinical testing. Allele origin: germline.
Comment: The p.D127N variant (also known as c.379G>A), located in coding exon 4 of the RASA2 gene, results from a G to A substitution at nucleotide position 379. The aspartic acid at codon 127 is replaced by asparagine, an amino acid with highly similar properties. This amino acid position is conserved. In addition, this alteration is predicted to be tolerated by in silico analysis. Based on the available evidence, the clinical significance of this variant remains unclear.

Labcorp Genetics (formerly Invitae), Labcorp
Classification: Uncertain significance. Last evaluated: 2023-05-05. Review status: criteria provided, single submitter. Criteria: Invitae Variant Classification Sherloc (09022015). Collection method: clinical testing. Allele origin: germline.
Comment: This sequence change replaces aspartic acid, which is acidic and polar, with asparagine, which is neutral and polar, at codon 127 of the RASA2 protein (p.Asp127Asn). This variant is present in population databases (rs759408772, gnomAD 0.0009%). This variant has not been reported in the literature in individuals affected with RASA2-related conditions. ClinVar contains an entry for this variant (Variation ID: 1369759). Advanced modeling of protein sequence and biophysical properties (such as structural, functional, and spatial information, amino acid conservation, physicochemical variation, residue mobility, and thermodynamic stability) performed at Invitae indicates that this missense variant is not expected to disrupt RASA2 protein function. In summary, the available evidence is currently insufficient to determine the role of this variant in disease. Therefore, it has been classified as a Variant of Uncertain Significance.

NM_006506.5(RASA2):c.379G>A (p.Asp127Asn)

Gene: RASA2 (RAS p21 protein activator 2; plus strand). Cytogenetic location: 3q23.
Variant type: single nucleotide variant.
Coding change: c.379G>A on transcript NM_006506.5 (MANE Select); coding-DNA position 379, G replaced by A.
Protein change: p.Asp127Asn; replaces aspartic acid 127 with asparagine.
Molecular consequence: missense variant.
Genome position (GRCh38, 1-based): chr3:141,529,731, G>A. VCF-style: chr3-141529731-G-A. GRCh37 (hg19) VCF-style: chr3-141248573-G-A.
Other names: c.379G>A (NM_006506.2); c.379G>A, p.Asp127Asn (NM_001303245.3, NM_001303246.3); short protein forms D127N.
Identifiers: ClinVar variation 1369759 (VCV001369759.7), dbSNP rs759408772, ClinGen allele CA2645180.